The following is an entry in ClinVar:

ClinVar aggregate classification (germline): Uncertain significance (1 of 4 stars; one submission).

Allele frequency attached by ClinVar (database versions not stated): gnomAD exomes below 0.00001.
gnomAD v4.1: 1 of 1,211,759 alleles (0.000083%); highest among the groups gnomAD compares: South Asian, 0.0018%; no homozygotes.

Submission:

Labcorp Genetics (formerly Invitae), Labcorp
Classification: Uncertain significance. Last evaluated: 2020-08-25. Review status: criteria provided, single submitter. Criteria: Invitae Variant Classification Sherloc (09022015). Collection method: clinical testing. Allele origin: germline.
Comment: In summary, the available evidence is currently insufficient to determine the role of this variant in disease. Therefore, it has been classified as a Variant of Uncertain Significance. Algorithms developed to predict the effect of missense changes on protein structure and function output the following: SIFT: "Tolerated"; PolyPhen-2: "Benign"; Align-GVGD: "Class C0". The asparagine amino acid residue is found in multiple mammalian species, suggesting that this missense change does not adversely affect protein function. These predictions have not been confirmed by published functional studies and their clinical significance is uncertain. This variant has not been reported in the literature in individuals with NEXMIF-related conditions. This variant is not present in population databases (ExAC no frequency). This sequence change replaces serine with asparagine at codon 883 of the NEXMIF protein (p.Ser883Asn). The serine residue is highly conserved and there is a small physicochemical difference between serine and asparagine.

NM_001008537.3(NEXMIF):c.2648G>A (p.Ser883Asn)

Gene: NEXMIF (neurite extension and migration factor; minus strand). Cytogenetic location: Xq13.3.
Variant type: single nucleotide variant.
Coding change: c.2648G>A on transcript NM_001008537.3 (MANE Select); coding-DNA position 2648, G replaced by A.
Protein change: p.Ser883Asn; replaces serine 883 with asparagine.
Molecular consequence: missense variant.
Genome position (GRCh38, 1-based): chrX:74,741,909, C>T on the plus strand (G>A on the coding strand, the complement: NEXMIF is on the minus strand). VCF-style: chrX-74741909-C-T. GRCh37 (hg19) VCF-style: chrX-73961744-C-T.
Other names: short protein forms S883N.
Identifiers: ClinVar variation 1018027 (VCV001018027.8), dbSNP rs1238438212, ClinGen allele CA413667750.